The following is an entry in ClinVar:

ClinVar aggregate classification (germline): Conflicting classifications of pathogenicity. Review status: criteria provided, conflicting classifications (1 of 4 stars). 2 submissions from 2 submitters: Pathogenic (1); Uncertain significance (1). Last evaluated 2025-06-18.

Conditions:
Hereditary cancer-predisposing syndrome. Also called: Hereditary Cancer Syndrome; Hereditary neoplastic syndrome; Neoplastic Syndromes, Hereditary; Tumor predisposition. Identifiers: Orphanet 140162, MedGen C0027672, MeSH D009386, MONDO:0015356.

Submissions (2):

Labcorp Genetics (formerly Invitae), Labcorp
Classification: Pathogenic. Last evaluated: 2025-06-18. Review status: criteria provided, single submitter. Criteria: Invitae Variant Classification Sherloc (09022015). Collection method: clinical testing. Allele origin: germline.
Comment: This sequence change creates a premature translational stop signal (p.Lys887*) in the POLE gene. It is expected to result in an absent or disrupted protein product. Loss-of-function variants in POLE are known to be pathogenic (PMID: 23230001, 25948378, 30503519). This variant is not present in population databases (gnomAD no frequency). This variant has not been reported in the literature in individuals affected with POLE-related conditions. ClinVar contains an entry for this variant (Variation ID: 405872). For these reasons, this variant has been classified as Pathogenic.

Ambry Genetics
Classification: Uncertain significance for Hereditary cancer-predisposing syndrome. Last evaluated: 2025-06-10. Review status: criteria provided, single submitter. Criteria: Ambry Variant Classification Scheme 2023. Collection method: clinical testing. Allele origin: germline.
Comment: The p.K887* variant (also known as c.2659A>T), located in coding exon 23 of the POLE gene, results from an A to T substitution at nucleotide position 2659. This changes the amino acid from a lysine to a stop codon within coding exon 23. This alteration is expected to result in loss of function by premature protein truncation or nonsense-mediated mRNA decay. Although biallelic loss of function of POLE has been associated with autosomal recessive POLE deficiency, haploinsufficiency of POLE has not been established as a mechanism of disease for POLE-related polymerase proofreading-associated polyposis (PPAP) and POLE-related CMMRD-like syndrome. Based on the supporting evidence, this variant is expected to be causative of POLE deficiency when present along with a second pathogenic variant on the other allele; however, its clinical significance for PPAP and POLE-related CMMRD-like syndrome is unclear.

Literature cited by the submitters: PubMed 23230001 (cited by Labcorp Genetics (formerly Invitae), Labcorp); PubMed 25948378 (cited by Labcorp Genetics (formerly Invitae), Labcorp); PubMed 30503519 (cited by Labcorp Genetics (formerly Invitae), Labcorp).

NM_006231.4(POLE):c.2659A>T (p.Lys887Ter)

Gene: POLE (DNA polymerase epsilon, catalytic subunit; minus strand). Cytogenetic location: 12q24.33.
Variant type: single nucleotide variant.
Coding change: c.2659A>T on transcript NM_006231.4 (MANE Select); coding-DNA position 2659, A replaced by T.
Protein change: p.Lys887Ter; replaces lysine 887 with a stop codon.
Molecular consequence: nonsense.
Genome position (GRCh38, 1-based): chr12:132,664,051, T>A on the plus strand (A>T on the coding strand, the complement: POLE is on the minus strand). VCF-style: chr12-132664051-T-A. GRCh37 (hg19) VCF-style: chr12-133240637-T-A.
Other names: short protein forms K887*.
Identifiers: ClinVar variation 405872 (VCV000405872.11), dbSNP rs1060500878, ClinGen allele CA16613907.